The following is an entry in ClinVar:

ClinVar aggregate classification (germline): Uncertain significance (1 of 4 stars; one submission).

Conditions:
Baller-Gerold syndrome (BGS). Also called: CRANIOSYNOSTOSIS WITH RADIAL DEFECTS. Identifiers: Orphanet 1225, MedGen C0265308, MONDO:0009039, OMIM 218600.

Allele frequency attached by ClinVar (database versions not stated): gnomAD 0.00001 and 0.00002; TOPMed 0.00002; gnomAD exomes 0.00003.
gnomAD v4.1: 38 of 1,349,684 alleles (0.0028%); highest among the groups gnomAD compares: Middle Eastern, 0.027%; no homozygotes.

Submission:

Labcorp Genetics (formerly Invitae), Labcorp
Classification: Uncertain significance for Baller-Gerold syndrome. Last evaluated: 2025-08-11. Review status: criteria provided, single submitter. Criteria: Invitae Variant Classification Sherloc (09022015). Collection method: clinical testing. Allele origin: germline.
Comment: This sequence change replaces phenylalanine, which is neutral and non-polar, with leucine, which is neutral and non-polar, at codon 18 of the RECQL4 protein (p.Phe18Leu). The frequency data for this variant in the population databases is considered unreliable, as metrics indicate poor data quality at this position in the gnomAD database. This variant has not been reported in the literature in individuals affected with RECQL4-related conditions. ClinVar contains an entry for this variant (Variation ID: 578515). Experimental studies and prediction algorithms are not available or were not evaluated, and the functional significance of this variant is currently unknown. In summary, the available evidence is currently insufficient to determine the role of this variant in disease. Therefore, it has been classified as a Variant of Uncertain Significance.

NM_004260.4(RECQL4):c.52T>C (p.Phe18Leu)

Genes: RECQL4 (RecQ like helicase 4; minus strand), LOC130001411 (ATAC-STARR-seq lymphoblastoid silent region 19699; plus strand). Cytogenetic location: 8q24.3.
Variant type: single nucleotide variant.
Coding change: c.52T>C on transcript NM_004260.4 (MANE Select); coding-DNA position 52, T replaced by C.
Protein change: p.Phe18Leu; replaces phenylalanine 18 with leucine.
Molecular consequence: missense variant.
Genome position (GRCh38, 1-based): chr8:144,517,733, A>G on the plus strand (T>C on the coding strand, the complement: RECQL4 is on the minus strand). VCF-style: chr8-144517733-A-G. GRCh37 (hg19) VCF-style: chr8-145743117-A-G.
Other names: short protein forms F18L.
Identifiers: ClinVar variation 578515 (VCV000578515.7), dbSNP rs941281893, ClinGen allele CA187691291.
Genomic context (GRCh38, chr8:144,517,733, plus strand): 5'-AGCCCCTCGGCCCCTGGGCAGCCCGCACCTGGCTCGGTCGCCGCCCGCGCTGCCGTCGGA[A>G]CGCGCGCTCCCACGCCTGCAGCCGCTCCCGCACGTCCCGCAGCCGCTCCATGGCGCGCGC-3'
Protein context (NP_004251.4, residues 8-28): RERLQAWERA[Phe18Leu]RRQRGRRPSQ